The following is an entry in ClinVar:

NM_014727.3(KMT2B):c.3284C>T (p.Ser1095Leu)

Gene: KMT2B (lysine methyltransferase 2B; plus strand). Cytogenetic location: 19q13.12.
Variant type: single nucleotide variant.
Coding change: c.3284C>T on transcript NM_014727.3 (MANE Select); coding-DNA position 3284, C replaced by T.
Protein change: p.Ser1095Leu; replaces serine 1095 with leucine.
Molecular consequence: missense variant.
Genome position (GRCh38, 1-based): chr19:35,723,957, C>T. VCF-style: chr19-35723957-C-T. GRCh37 (hg19) VCF-style: chr19-36214858-C-T.
Other names: short protein forms S1095L.
Identifiers: ClinVar variation 2491212 (VCV002491212.3), dbSNP rs764276845, ClinGen allele CA9384690.

ClinVar aggregate classification (germline): Uncertain significance (1 of 4 stars; one submission).

Conditions:
Inborn genetic diseases. Identifiers: MedGen C0950123, MeSH D030342.

Allele frequency attached by ClinVar (database versions not stated): gnomAD exomes 0.00001; ExAC 0.00001.
gnomAD v4.1: 7 of 1,610,904 alleles (0.00043%); highest among the groups gnomAD compares: Admixed American, 0.0033%; no homozygotes.

Submission:

Ambry Genetics
Classification: Uncertain significance for Inborn genetic diseases. Last evaluated: 2026-09-14. Review status: criteria provided, single submitter. Criteria: Ambry Variant Classification Scheme 2023. Collection method: clinical testing. Allele origin: germline.
Comment: The c.3284C>T (p.S1095L) alteration is located in exon 8 (coding exon 8) of the KMT2B gene. This alteration results from a C to T substitution at nucleotide position 3284, causing the serine (S) at amino acid position 1095 to be replaced by a leucine (L). Based on data from gnomAD, the T allele has an overall frequency of 0.001% (2/240600) total alleles studied. The highest observed frequency was 0.003% (1/34126) of Latino alleles. Based on insufficient or conflicting evidence, the clinical significance of this alteration remains unclear.